The following is an entry in ClinVar:

NM_000439.5(PCSK1):c.1774C>A (p.His592Asn)

Genes: CAST (calpastatin; plus strand), PCSK1 (proprotein convertase subtilisin/kexin type 1; minus strand), LOC101929710 (uncharacterized LOC101929710; plus strand). Cytogenetic location: 5q15.
Variant type: single nucleotide variant.
Coding change: c.1774C>A on transcript NM_000439.5 (MANE Select); coding-DNA position 1774, C replaced by A.
Protein change: p.His592Asn; replaces histidine 592 with asparagine.
Molecular consequence: missense variant.
Genome position (GRCh38, 1-based): chr5:96,394,974, G>T on the plus strand (C>A on the coding strand, the complement: PCSK1 is on the minus strand). VCF-style: chr5-96394974-G-T. GRCh37 (hg19) VCF-style: chr5-95730678-G-T.
Other names: c.1633C>A, p.His545Asn (NM_001177875.2); short protein forms H592N, H545N.
Identifiers: ClinVar variation 450068 (VCV000450068.2), dbSNP rs1554057298, ClinGen allele CA360478118.

ClinVar aggregate classification (germline): Uncertain significance (1 of 4 stars; one submission).

Submission:

GeneDx
Classification: Uncertain significance. Last evaluated: 2017-06-27. Review status: criteria provided, single submitter. Criteria: GeneDx Variant Classification (06012015). Collection method: clinical testing. Allele origin: germline. Affected: yes.
Comment: The H592N variant in the PCSK1 gene has not been reported previously as a pathogenic variant, nor as a benign variant, to our knowledge. The H592N variant is not observed in large population cohorts (Lek et al., 2016; 1000 Genomes Consortium et al., 2015; Exome Variant Server). The H592N variant is a semi-conservative amino acid substitution, which may impact secondary protein structure as these residues differ in some properties. This substitution occurs at a position that is conserved across species. In silico analysis predicts this variant is probably damaging to the protein structure/function. We interpret H592N as a variant of uncertain significance.